The following is an entry in ClinVar:

NM_003265.3(TLR3):c.992G>A (p.Arg331Gln)

Gene: TLR3 (toll like receptor 3; plus strand). Cytogenetic location: 4q35.1.
Variant type: single nucleotide variant.
Coding change: c.992G>A on transcript NM_003265.3 (MANE Select); coding-DNA position 992, G replaced by A.
Protein change: p.Arg331Gln; replaces arginine 331 with glutamine.
Molecular consequence: missense variant.
Genome position (GRCh38, 1-based): chr4:186,082,678, G>A. VCF-style: chr4-186082678-G-A. GRCh37 (hg19) VCF-style: chr4-187003832-G-A.
Other names: short protein forms R331Q.
Identifiers: ClinVar variation 4185267 (VCV004185267.2).

ClinVar aggregate classification (germline): Uncertain significance. Review status: criteria provided, multiple submitters, no conflicts (2 of 4 stars). 2 submissions from 2 submitters: Uncertain significance (2). Last evaluated 2025-08-02.

Conditions:
Encephalopathy, acute, infection-induced (herpes-specific), susceptibility to, 1. Also called: Herpes simplex encephalitis, susceptibility to, 1. Identifiers: Orphanet 1930, MedGen C2750180, MONDO:0024563, OMIM 610551.

Submissions (2):

Ambry Genetics
Classification: Uncertain significance. Last evaluated: 2025-08-02. Review status: criteria provided, single submitter. Criteria: Ambry Variant Classification Scheme 2023. Collection method: clinical testing. Allele origin: germline.

Labcorp Genetics (formerly Invitae), Labcorp
Classification: Uncertain significance for Encephalopathy, acute, infection-induced (herpes-specific), susceptibility to, 1. Last evaluated: 2025-03-11. Review status: criteria provided, single submitter. Criteria: Invitae Variant Classification Sherloc (09022015). Collection method: clinical testing. Allele origin: germline.
Comment: This sequence change replaces arginine, which is basic and polar, with glutamine, which is neutral and polar, at codon 331 of the TLR3 protein (p.Arg331Gln). This variant is present in population databases (rs547797985, gnomAD 0.0009%). This variant has not been reported in the literature in individuals affected with TLR3-related conditions. An algorithm developed to predict the effect of missense changes on protein structure and function outputs the following: PolyPhen-2: "Benign". The glutamine amino acid residue is found in multiple mammalian species, which suggests that this missense change does not adversely affect protein function. In summary, the available evidence is currently insufficient to determine the role of this variant in disease. Therefore, it has been classified as a Variant of Uncertain Significance.